The following is an entry in ClinVar:

ClinVar aggregate classification (germline): Uncertain significance. Review status: criteria provided, multiple submitters, no conflicts (2 of 4 stars). 2 submissions from 2 submitters: Uncertain significance (2). Last evaluated 2025-02-17.

Conditions:
Autosomal recessive limb-girdle muscular dystrophy type 2U. Also called: MUSCULAR DYSTROPHY, LIMB-GIRDLE, TYPE 2U; Muscular dystrophy-dystroglycanopathy (limb-girdle), type c, 7. Identifiers: Orphanet 352479, MedGen C5190987, MONDO:0014474, OMIM 616052.
Muscular dystrophy-dystroglycanopathy (congenital with brain and eye anomalies), type A, 7. Also called: WALKER-WARBURG SYNDROME OR MUSCLE-EYE-BRAIN DISEASE, ISPD-RELATED; Congenital muscular dystrophy-dystroglycanopathy with brain and eye anomalies, type A7. Identifiers: Orphanet 899, MedGen C3553330, MONDO:0013835, OMIM 614643.

gnomAD v4.1: 9 of 1,324,824 alleles (0.00068%); highest among the groups gnomAD compares: Non-Finnish European, 0.00087%; no homozygotes.

Submissions (2):

Labcorp Genetics (formerly Invitae), Labcorp
Classification: Uncertain significance for Muscular dystrophy-dystroglycanopathy (congenital with brain and eye anomalies), type A, 7; Autosomal recessive limb-girdle muscular dystrophy type 2U. Last evaluated: 2025-02-17. Review status: criteria provided, single submitter. Criteria: Invitae Variant Classification Sherloc (09022015). Collection method: clinical testing. Allele origin: germline.
Comment: This sequence change replaces histidine, which is basic and polar, with proline, which is neutral and non-polar, at codon 26 of the ISPD protein (p.His26Pro). This variant is not present in population databases (gnomAD no frequency). This variant has not been reported in the literature in individuals affected with ISPD-related conditions. ClinVar contains an entry for this variant (Variation ID: 289489). An algorithm developed to predict the effect of missense changes on protein structure and function (PolyPhen-2) suggests that this variant is likely to be tolerated. In summary, the available evidence is currently insufficient to determine the role of this variant in disease. Therefore, it has been classified as a Variant of Uncertain Significance.

Eurofins Ntd Llc (ga)
Classification: Uncertain significance. Last evaluated: 2016-07-25. Review status: criteria provided, single submitter. Criteria: EGL Classification Definitions 2015. Collection method: clinical testing. Allele origin: germline. Observed: 1 variant allele, 1 heterozygote.

NM_001101426.4(CRPPA):c.77A>C (p.His26Pro)

Genes: CRPPA (CDP-L-ribitol pyrophosphorylase A; minus strand), LOC129998005 (ATAC-STARR-seq lymphoblastoid silent region 17982; plus strand). Cytogenetic location: 7p21.2.
Variant type: single nucleotide variant.
Coding change: c.77A>C on transcript NM_001101426.4 (MANE Select); coding-DNA position 77, A replaced by C.
Protein change: p.His26Pro; replaces histidine 26 with proline.
Molecular consequence: missense variant. On other transcripts: non-coding transcript variant (1).
Genome position (GRCh38, 1-based): chr7:16,421,246, T>G on the plus strand (A>C on the coding strand, the complement: CRPPA is on the minus strand). VCF-style: chr7-16421246-T-G. GRCh37 (hg19) VCF-style: chr7-16460871-T-G.
Other names: c.77A>C, p.His26Pro (NM_001101417.4, NM_001368197.1); short protein forms H26P.
Identifiers: ClinVar variation 289489 (VCV000289489.13), dbSNP rs886044190, ClinGen allele CA10606461.
Genomic context (GRCh38, chr7:16,421,246, plus strand): 5'-GCTTGCGGGTGGCGCCCGGGCTCGGTCCCGGCCACGCTCTGCAGGGAGGCGGAAGCCGTG[T>G]GGTCCGCGCCGCGCTGACCACTCAGGCAAGGACCCGGCTCCGCCGGCCTGGCGCTGCCCG-3'
Protein context (NP_001094896.1, residues 16-36): PCLSGQRGAD[His26Pro]TASASLQSVA